The following is an entry in ClinVar:

ClinVar aggregate classification (germline): Pathogenic. Review status: criteria provided, multiple submitters, no conflicts (2 of 4 stars). 3 submissions from 3 submitters: Pathogenic (3). Last evaluated 2024-11-18.

Conditions:
Hereditary nonpolyposis colorectal neoplasms. Identifiers: MedGen C0009405, MeSH D003123.
Hereditary cancer-predisposing syndrome. Also called: Hereditary Cancer Syndrome; Hereditary neoplastic syndrome; Neoplastic Syndromes, Hereditary; Tumor predisposition. Identifiers: Orphanet 140162, MedGen C0027672, MeSH D009386, MONDO:0015356.
Lynch syndrome 4 (LYNCH4). Also called: Colorectal cancer, hereditary nonpolyposis, type 4; Hereditary non-polyposis colorectal cancer, type 4. Identifiers: Orphanet 144, MedGen C1838333, MONDO:0013699, OMIM 614337. Disease mechanism: loss of function.

Submissions (3):

Labcorp Genetics (formerly Invitae), Labcorp
Classification: Pathogenic for Hereditary nonpolyposis colorectal neoplasms. Last evaluated: 2024-11-18. Review status: criteria provided, single submitter. Criteria: Invitae Variant Classification Sherloc (09022015). Collection method: clinical testing. Allele origin: germline.
Comment: This sequence change creates a premature translational stop signal (p.Gln186*) in the PMS2 gene. It is expected to result in an absent or disrupted protein product. Loss-of-function variants in PMS2 are known to be pathogenic (PMID: 21376568, 24362816). This variant is not present in population databases (gnomAD no frequency). This variant has not been reported in the literature in individuals affected with PMS2-related conditions. ClinVar contains an entry for this variant (Variation ID: 1748352). Algorithms developed to predict the effect of sequence changes on RNA splicing suggest that this variant may disrupt the consensus splice site. For these reasons, this variant has been classified as Pathogenic.

Myriad Genetics, Inc.
Classification: Pathogenic for Lynch syndrome 4. Last evaluated: 2024-06-06. Review status: criteria provided, single submitter. Criteria: Myriad Autosomal Dominant, Autosomal Recessive and X-Linked Classification Criteria (2023). Collection method: clinical testing. Allele origin: unknown.
Comment: This variant is considered pathogenic. This variant creates a termination codon and is predicted to result in premature protein truncation.

Ambry Genetics
Classification: Pathogenic for Hereditary cancer-predisposing syndrome. Last evaluated: 2021-05-28. Review status: criteria provided, single submitter. Criteria: Ambry Variant Classification Scheme 2023. Collection method: clinical testing. Allele origin: germline.
Comment: The p.Q186* pathogenic mutation (also known as c.556C>T), located in coding exon 6 of the PMS2 gene, results from a C to T substitution at nucleotide position 556. This changes the amino acid from a glutamine to a stop codon within coding exon 6. This alteration is expected to result in loss of function by premature protein truncation or nonsense-mediated mRNA decay. As such, this alteration is interpreted as a disease-causing mutation.

Literature cited by the submitters: PubMed 21376568 (cited by Labcorp Genetics (formerly Invitae), Labcorp); PubMed 24362816 (cited by Labcorp Genetics (formerly Invitae), Labcorp).

NM_000535.7(PMS2):c.556C>T (p.Gln186Ter)

Gene: PMS2 (PMS1 homolog 2, mismatch repair system component; minus strand). Cytogenetic location: 7p22.1.
Variant type: single nucleotide variant.
Coding change: c.556C>T on transcript NM_000535.7 (MANE Select); coding-DNA position 556, C replaced by T.
Protein change: p.Gln186Ter; replaces glutamine 186 with a stop codon.
Molecular consequence: nonsense. On other transcripts: non-coding transcript variant (1), intron variant (3).
Genome position (GRCh38, 1-based): chr7:5,999,257, G>A on the plus strand (C>T on the coding strand, the complement: PMS2 is on the minus strand). VCF-style: chr7-5999257-G-A. GRCh37 (hg19) VCF-style: chr7-6038888-G-A.
Other names: c.247C>T, p.Gln83Ter (NM_001406882.1, NM_001322015.2, NM_001406875.1 and 6 more transcripts); c.238C>T, p.Gln80Ter (NM_001406883.1, NM_001322007.2, NM_001322008.2 and 4 more transcripts); c.151C>T, p.Gln51Ter (NM_001406887.1, NM_001406890.1, NM_001406891.1 and 22 more transcripts); c.556C>T, p.Gln186Ter (NM_001322006.2, NM_001322014.2, NM_001406869.1 and 5 more transcripts); c.742C>T, p.Gln248Ter (NM_001406866.1); c.580C>T, p.Gln194Ter (NM_001406868.1); c.133-1834C>T (NM_001322013.2); c.-347-31C>T (NM_001322012.2, NM_001322011.2); short protein forms Q194*, Q80*, Q186*, Q248*, Q51*, Q83*.
Identifiers: ClinVar variation 1748352 (VCV001748352.5), dbSNP rs1233470165, ClinGen allele CA366744097.